The following is an entry in ClinVar:

NM_000426.4(LAMA2):c.966T>A (p.Cys322Ter)

Gene: LAMA2 (laminin subunit alpha 2; plus strand). Cytogenetic location: 6q22.33.
Variant type: single nucleotide variant.
Coding change: c.966T>A on transcript NM_000426.4 (MANE Select); coding-DNA position 966, T replaced by A.
Protein change: p.Cys322Ter; replaces cysteine 322 with a stop codon.
Molecular consequence: nonsense.
Genome position (GRCh38, 1-based): chr6:129,149,035, T>A. VCF-style: chr6-129149035-T-A. GRCh37 (hg19) VCF-style: chr6-129470180-T-A.
Other names: c.966T>A, p.Cys322Ter (NM_001079823.2); short protein forms C322*.
Identifiers: ClinVar variation 1724079 (VCV001724079.3), dbSNP rs2482605485, ClinGen allele CA365606606.
Genomic context (GRCh38, chr6:129,149,035, plus strand): 5'-CTAGAAATCTCGCTGTGAGTGTGAGCATAACACATGTGGCGATAGCTGTGATCAGTGCTG[T>A]CCAGGATTCCATCAGAAACCCTGGAGAGCTGGAACTTTTCTAACTAAAACTGAATGTGAA-3'

ClinVar aggregate classification (germline): Likely pathogenic (1 of 4 stars; one submission).

Conditions:
LAMA2-related muscular dystrophy (LAMA2-RD). Also called: Laminin alpha 2-related dystrophy. Identifiers: MedGen C5679788, MONDO:0100228.

Allele frequency attached by ClinVar (database versions not stated): gnomAD exomes below 0.00001.
gnomAD v4.1: 1 of 1,613,592 alleles (0.000062%); highest among the groups gnomAD compares: Non-Finnish European, 0.000085%; no homozygotes.

Submission:

Myriad Genetics, Inc.
Classification: Likely pathogenic for LAMA2-related muscular dystrophy. Last evaluated: 2022-01-25. Review status: criteria provided, single submitter. Criteria: Myriad Autosomal Dominant, Autosomal Recessive and X-Linked Classification Criteria (2023). Collection method: clinical testing. Allele origin: unknown.
Comment: NM_000426.3(LAMA2):c.966T>A(C322*) is expected to be pathogenic in the context of muscular dystrophy, LAMA2-related. This variant is predicted to lead to an abnormal or absent protein product due to the creation of a premature termination codon in LAMA2, a gene where loss-of-function variants are known to be pathogenic. Please note: this variant was assessed in the context of healthy population screening.